The following is an entry in ClinVar:

ClinVar aggregate classification (germline): Uncertain significance (1 of 4 stars; one submission).

Conditions:
Multiple congenital anomalies-hypotonia-seizures syndrome 1 (MCAHS1). Also called: PIGN-CDG; Congenital disorder of glycosylation due to PIGN deficiency; GLYCOSYLPHOSPHATIDYLINOSITOL BIOSYNTHESIS DEFECT 3. Identifiers: Orphanet 280633, MedGen C3279775, MONDO:0013563, OMIM 614080.

Submission:

Labcorp Genetics (formerly Invitae), Labcorp
Classification: Uncertain significance for Multiple congenital anomalies-hypotonia-seizures syndrome 1. Last evaluated: 2022-10-08. Review status: criteria provided, single submitter. Criteria: Invitae Variant Classification Sherloc (09022015). Collection method: clinical testing. Allele origin: germline.
Comment: A copy number gain of the genomic region encompassing the full coding sequence of the PIGN gene has been identified. The boundaries of this event are unknown as they extend beyond the assayed region for this gene and therefore may encompass additional genes. As the precise location of this event is unknown, it may be in tandem or it may be located elsewhere in the genome. This variant has not been reported in the literature in individuals affected with PIGN-related conditions. In summary, the available evidence is currently insufficient to determine the role of this variant in disease. Therefore, it has been classified as a Variant of Uncertain Significance.

NC_000018.9:g.(?_59713089)_(61654512_?)dup

Genes: BCL2 (BCL2 apoptosis regulator; minus strand), HMSD (histocompatibility minor serpin domain containing; plus strand), KDSR (3-ketodihydrosphingosine reductase; minus strand), PHLPP1 (PH domain and leucine rich repeat protein phosphatase 1; plus strand), PIGN (phosphatidylinositol glycan anchor biosynthesis class N; minus strand) and 14 more. Cytogenetic location: 18q21.33-22.1.
Variant type: Duplication.
Identifiers: ClinVar variation 1514710 (VCV001514710.4).